The following is an entry in ClinVar:

ClinVar aggregate classification (germline): Uncertain significance (1 of 4 stars; one submission).

Allele frequency attached by ClinVar (database versions not stated): gnomAD exomes below 0.00001.
gnomAD v4.1: 2 of 1,612,288 alleles (0.00012%); highest among the groups gnomAD compares: East Asian, 0.0022%; no homozygotes.

Submission:

Labcorp Genetics (formerly Invitae), Labcorp
Classification: Uncertain significance. Last evaluated: 2023-02-05. Review status: criteria provided, single submitter. Criteria: Invitae Variant Classification Sherloc (09022015). Collection method: clinical testing. Allele origin: germline.
Comment: In summary, the available evidence is currently insufficient to determine the role of this variant in disease. Therefore, it has been classified as a Variant of Uncertain Significance. Algorithms developed to predict the effect of sequence changes on RNA splicing suggest that this variant may disrupt the consensus splice site. Advanced modeling of protein sequence and biophysical properties (such as structural, functional, and spatial information, amino acid conservation, physicochemical variation, residue mobility, and thermodynamic stability) performed at Invitae indicates that this missense variant is not expected to disrupt CLCN7 protein function. This variant has not been reported in the literature in individuals affected with CLCN7-related conditions. This variant is present in population databases (no rsID available, gnomAD 0.003%). This sequence change replaces serine, which is neutral and polar, with asparagine, which is neutral and polar, at codon 476 of the CLCN7 protein (p.Ser476Asn).

NM_001287.6(CLCN7):c.1427G>A (p.Ser476Asn)

Gene: CLCN7 (chloride voltage-gated channel 7; minus strand). Cytogenetic location: 16p13.3.
Variant type: single nucleotide variant.
Coding change: c.1427G>A on transcript NM_001287.6 (MANE Select); coding-DNA position 1427, G replaced by A.
Protein change: p.Ser476Asn; replaces serine 476 with asparagine.
Molecular consequence: missense variant.
Genome position (GRCh38, 1-based): chr16:1,451,643, C>T on the plus strand (G>A on the coding strand, the complement: CLCN7 is on the minus strand). VCF-style: chr16-1451643-C-T. GRCh37 (hg19) VCF-style: chr16-1501644-C-T.
Other names: c.1355G>A, p.Ser452Asn (NM_001114331.3); short protein forms S476N, S452N.
Identifiers: ClinVar variation 2993460 (VCV002993460.3), dbSNP rs1168990979, ClinGen allele CA394188020.